The following is an entry in ClinVar:

ClinVar aggregate classification (germline): Uncertain significance. Review status: criteria provided, multiple submitters, no conflicts (2 of 4 stars). 2 submissions from 2 submitters: Uncertain significance (2). Last evaluated 2025-10-07.

Conditions:
Inborn genetic diseases. Identifiers: MedGen C0950123, MeSH D030342.
Paroxysmal nonkinesigenic dyskinesia. Also called: Paroxysmal non-kinesigenic dyskinesia. Identifiers: Orphanet 98810, MedGen C1869117, MONDO:0700088.

Allele frequency attached by ClinVar (database versions not stated): TOPMed 0.00001; ExAC 0.00003.
gnomAD v4.1: 3 of 1,575,472 alleles (0.00019%); highest among the groups gnomAD compares: African/African-American, 0.004%; no homozygotes.

Submissions (2):

Ambry Genetics
Classification: Uncertain significance for Inborn genetic diseases. Last evaluated: 2025-10-07. Review status: criteria provided, single submitter. Criteria: Ambry Variant Classification Scheme 2023. Collection method: clinical testing. Allele origin: germline.

Labcorp Genetics (formerly Invitae), Labcorp
Classification: Uncertain significance for Paroxysmal nonkinesigenic dyskinesia. Last evaluated: 2023-12-08. Review status: criteria provided, single submitter. Criteria: Invitae Variant Classification Sherloc (09022015). Collection method: clinical testing. Allele origin: germline.
Comment: This sequence change replaces glutamic acid, which is acidic and polar, with aspartic acid, which is acidic and polar, at codon 292 of the PNKD protein (p.Glu292Asp). The frequency data for this variant in the population databases is considered unreliable, as metrics indicate poor data quality at this position in the gnomAD database. This variant has not been reported in the literature in individuals affected with PNKD-related conditions. Advanced modeling of protein sequence and biophysical properties (such as structural, functional, and spatial information, amino acid conservation, physicochemical variation, residue mobility, and thermodynamic stability) performed at Invitae indicates that this missense variant is not expected to disrupt PNKD protein function with a negative predictive value of 80%. In summary, the available evidence is currently insufficient to determine the role of this variant in disease. Therefore, it has been classified as a Variant of Uncertain Significance.

NM_015488.5(PNKD):c.876G>T (p.Glu292Asp)

Genes: PNKD (PNKD metallo-beta-lactamase domain containing; plus strand), CATIP-AS2 (CATIP antisense RNA 2; minus strand). Cytogenetic location: 2q35.
Variant type: single nucleotide variant.
Coding change: c.876G>T on transcript NM_015488.5 (MANE Select); coding-DNA position 876, G replaced by T.
Protein change: p.Glu292Asp; replaces glutamic acid 292 with aspartic acid.
Molecular consequence: missense variant.
Genome position (GRCh38, 1-based): chr2:218,344,462, G>T. VCF-style: chr2-218344462-G-T. GRCh37 (hg19) VCF-style: chr2-219209185-G-T.
Other names: c.804G>T, p.Glu268Asp (NM_022572.5); short protein forms E292D, E268D.
Identifiers: ClinVar variation 2984973 (VCV002984973.4), dbSNP rs752371418, ClinGen allele CA2104142.